The following is an entry in ClinVar:

ClinVar aggregate classification (germline): Uncertain significance. Review status: criteria provided, multiple submitters, no conflicts (2 of 4 stars). 2 submissions from 2 submitters: Uncertain significance (2). Last evaluated 2026-01-05.

Conditions:
Hereditary cancer-predisposing syndrome. Also called: Neoplastic Syndromes, Hereditary; Tumor predisposition; Hereditary neoplastic syndrome; Hereditary Cancer Syndrome. Identifiers: Orphanet 140162, MedGen C0027672, MeSH D009386, MONDO:0015356.

Allele frequency attached by ClinVar (database versions not stated): gnomAD exomes below 0.00001; TOPMed below 0.00001.
gnomAD v4.1: 4 of 1,614,038 alleles (0.00025%); highest among the groups gnomAD compares: Non-Finnish European, 0.00034%; no homozygotes.

Submissions (2):

Labcorp Genetics (formerly Invitae), Labcorp
Classification: Uncertain significance. Last evaluated: 2026-01-05. Review status: criteria provided, single submitter. Criteria: Invitae Variant Classification Sherloc (09022015). Collection method: clinical testing. Allele origin: germline.
Comment: This sequence change replaces glutamic acid, which is acidic and polar, with alanine, which is neutral and non-polar, at codon 1001 of the POLE protein (p.Glu1001Ala). This variant is not present in population databases (gnomAD no frequency). This variant has not been reported in the literature in individuals affected with POLE-related conditions. ClinVar contains an entry for this variant (Variation ID: 2141686). Invitae Evidence Modeling of protein sequence and biophysical properties (such as structural, functional, and spatial information, amino acid conservation, physicochemical variation, residue mobility, and thermodynamic stability) indicates that this missense variant is not expected to disrupt POLE protein function with a negative predictive value of 80%. In summary, the available evidence is currently insufficient to determine the role of this variant in disease. Therefore, it has been classified as a Variant of Uncertain Significance.

Ambry Genetics
Classification: Uncertain significance for Hereditary cancer-predisposing syndrome. Last evaluated: 2025-03-31. Review status: criteria provided, single submitter. Criteria: Ambry Variant Classification Scheme 2023. Collection method: clinical testing. Allele origin: germline.
Comment: The p.E1001A variant (also known as c.3002A>C), located in coding exon 25 of the POLE gene, results from an A to C substitution at nucleotide position 3002. The glutamic acid at codon 1001 is replaced by alanine, an amino acid with dissimilar properties. This amino acid position is conserved. In addition, the in silico prediction for this alteration is inconclusive. Based on the available evidence, the clinical significance of this variant remains unclear.

NM_006231.4(POLE):c.3002A>C (p.Glu1001Ala)

Gene: POLE (DNA polymerase epsilon, catalytic subunit; minus strand). Cytogenetic location: 12q24.33.
Variant type: single nucleotide variant.
Coding change: c.3002A>C on transcript NM_006231.4 (MANE Select); coding-DNA position 3002, A replaced by C.
Protein change: p.Glu1001Ala; replaces glutamic acid 1001 with alanine.
Molecular consequence: missense variant.
Genome position (GRCh38, 1-based): chr12:132,661,027, T>G on the plus strand (A>C on the coding strand, the complement: POLE is on the minus strand). VCF-style: chr12-132661027-T-G. GRCh37 (hg19) VCF-style: chr12-133237613-T-G.
Other names: c.3002A>C (NM_006231.2); short protein forms E1001A.
Identifiers: ClinVar variation 2141686 (VCV002141686.5), dbSNP rs2042667051, ClinGen allele CA387392319.